The following is an entry in ClinVar:

ClinVar aggregate classification (germline): Uncertain significance (1 of 4 stars; one submission).

Conditions:
Ehlers-Danlos syndrome, musculocontractural type (EDSMC). Also called: Adducted thumb, clubfoot, progressive joint and skin laxity syndrome; ADDUCTED THUMB-CLUBFOOT SYNDROME; ARTHROGRYPOSIS, DISTAL, WITH PECULIAR FACIES AND HYDRONEPHROSIS; DUNDAR SYNDROME. Identifiers: Orphanet 2953, MedGen C1866294, MONDO:0011142.

Allele frequency attached by ClinVar (database versions not stated): gnomAD exomes below 0.00001 and 0.00001.

Submission:

Labcorp Genetics (formerly Invitae), Labcorp
Classification: Uncertain significance for Ehlers-Danlos syndrome, musculocontractural type. Last evaluated: 2020-11-15. Review status: criteria provided, single submitter. Criteria: Invitae Variant Classification Sherloc (09022015). Collection method: clinical testing. Allele origin: germline.
Comment: This sequence change replaces glutamine with arginine at codon 235 of the CHST14 protein (p.Gln235Arg). The glutamine residue is moderately conserved and there is a small physicochemical difference between glutamine and arginine. This variant is not present in population databases (ExAC no frequency). This variant has not been reported in the literature in individuals with CHST14-related conditions. Algorithms developed to predict the effect of missense changes on protein structure and function (SIFT, PolyPhen-2, Align-GVGD) all suggest that this variant is likely to be tolerated, but these predictions have not been confirmed by published functional studies and their clinical significance is uncertain. In summary, the available evidence is currently insufficient to determine the role of this variant in disease. Therefore, it has been classified as a Variant of Uncertain Significance.

NM_130468.4(CHST14):c.704A>G (p.Gln235Arg)

Gene: CHST14 (carbohydrate sulfotransferase 14; plus strand). Cytogenetic location: 15q15.1.
Variant type: single nucleotide variant.
Coding change: c.704A>G on transcript NM_130468.4 (MANE Select); coding-DNA position 704, A replaced by G.
Protein change: p.Gln235Arg; replaces glutamine 235 with arginine.
Molecular consequence: missense variant.
Genome position (GRCh38, 1-based): chr15:40,471,917, A>G. VCF-style: chr15-40471917-A-G. GRCh37 (hg19) VCF-style: chr15-40764116-A-G.
Other names: short protein forms Q235R.
Identifiers: ClinVar variation 1423379 (VCV001423379.8), dbSNP rs532315121, ClinGen allele CA268822685.
Genomic context (GRCh38, chr15:40,471,917, plus strand): 5'-CCTTGGAACGCCTCCTCTCTGCCTACCGCAACAAGTTTGGCGAGATCCGAGAGTACCAGC[A>G]ACGCTATGGGGCTGAGATAGTGAGGCGGTACAGGGCTGGAGCGGGGCCCAGCCCTGCAGG-3'
Protein context (NP_569735.1, residues 225-245): NKFGEIREYQ[Gln235Arg]RYGAEIVRRY